The following is an entry in ClinVar:

NM_005219.5(DIAPH1):c.1283C>A (p.Pro428His)

Gene: DIAPH1 (diaphanous related formin 1; minus strand). Cytogenetic location: 5q31.3.
Variant type: single nucleotide variant.
Coding change: c.1283C>A on transcript NM_005219.5 (MANE Select); coding-DNA position 1283, C replaced by A.
Protein change: p.Pro428His; replaces proline 428 with histidine.
Molecular consequence: missense variant.
Genome position (GRCh38, 1-based): chr5:141,576,869, G>T on the plus strand (C>A on the coding strand, the complement: DIAPH1 is on the minus strand). VCF-style: chr5-141576869-G-T. GRCh37 (hg19) VCF-style: chr5-140956436-G-T.
Other names: c.1256C>A, p.Pro419His (NM_001079812.3); c.1283C>A, p.Pro428His (NM_001314007.2); short protein forms P419H, P428H.
Identifiers: ClinVar variation 2201334 (VCV002201334.4), dbSNP rs1339899658, ClinGen allele CA361528354.

ClinVar aggregate classification (germline): Uncertain significance (1 of 4 stars; one submission).

Conditions:
Autosomal dominant nonsyndromic hearing loss 1. Also called: DEAFNESS, AUTOSOMAL DOMINANT 1, WITH OR WITHOUT THROMBOCYTOPENIA; KONIGSMARK SYNDROME. Identifiers: Orphanet 90635, MedGen C1852282, MONDO:0007424, OMIM 124900.
Progressive microcephaly-seizures-cortical blindness-developmental delay syndrome. Also called: Seizures, cortical blindness, and microcephaly syndrome. Identifiers: Orphanet 477814, MedGen C5567650, MONDO:0014714, OMIM 616632.

Allele frequency attached by ClinVar (database versions not stated): gnomAD exomes below 0.00001; TOPMed below 0.00001; gnomAD 0.00001.
gnomAD v4.1: 5 of 1,564,200 alleles (0.00032%); highest among the groups gnomAD compares: East Asian, 0.011%; no homozygotes.

Submission:

Labcorp Genetics (formerly Invitae), Labcorp
Classification: Uncertain significance for Progressive microcephaly-seizures-cortical blindness-developmental delay syndrome; Autosomal dominant nonsyndromic hearing loss 1. Last evaluated: 2025-10-29. Review status: criteria provided, single submitter. Criteria: Invitae Variant Classification Sherloc (09022015). Collection method: clinical testing. Allele origin: germline.
Comment: This sequence change replaces proline, which is neutral and non-polar, with histidine, which is basic and polar, at codon 428 of the DIAPH1 protein (p.Pro428His). This variant is present in population databases (no rsID available, gnomAD 0.02%). This variant has not been reported in the literature in individuals affected with DIAPH1-related conditions. ClinVar contains an entry for this variant (Variation ID: 2201334). Experimental studies and prediction algorithms are not available or were not evaluated, and the functional significance of this variant is currently unknown. In summary, the available evidence is currently insufficient to determine the role of this variant in disease. Therefore, it has been classified as a Variant of Uncertain Significance.